The following is an entry in ClinVar:

NM_000179.3(MSH6):c.1887T>G (p.Asp629Glu)

Gene: MSH6 (mutS homolog 6; plus strand). Cytogenetic location: 2p16.3.
Variant type: single nucleotide variant.
Coding change: c.1887T>G on transcript NM_000179.3 (MANE Select); coding-DNA position 1887, T replaced by G.
Protein change: p.Asp629Glu; replaces aspartic acid 629 with glutamic acid.
Molecular consequence: missense variant.
Genome position (GRCh38, 1-based): chr2:47,799,870, T>G. VCF-style: chr2-47799870-T-G. GRCh37 (hg19) VCF-style: chr2-48027009-T-G.
Other names: c.1497T>G, p.Asp499Glu (NM_001281492.2); c.981T>G, p.Asp327Glu (NM_001281493.2, NM_001281494.2); short protein forms D327E, D499E, D629E.
Identifiers: ClinVar variation 662015 (VCV000662015.9), dbSNP rs876660921, ClinGen allele CA346750023.

ClinVar aggregate classification (germline): Uncertain significance. Review status: criteria provided, multiple submitters, no conflicts (2 of 4 stars). 2 submissions from 2 submitters: Uncertain significance (2). Last evaluated 2025-08-17.

Conditions:
Hereditary nonpolyposis colorectal neoplasms. Identifiers: MedGen C0009405, MeSH D003123.
Hereditary cancer-predisposing syndrome. Also called: Neoplastic Syndromes, Hereditary; Tumor predisposition; Hereditary neoplastic syndrome; Hereditary Cancer Syndrome. Identifiers: Orphanet 140162, MedGen C0027672, MeSH D009386, MONDO:0015356.

Submissions (2):

Labcorp Genetics (formerly Invitae), Labcorp
Classification: Uncertain significance for Hereditary nonpolyposis colorectal neoplasms. Last evaluated: 2025-08-17. Review status: criteria provided, single submitter. Criteria: Invitae Variant Classification Sherloc (09022015). Collection method: clinical testing. Allele origin: germline.
Comment: This sequence change replaces aspartic acid, which is acidic and polar, with glutamic acid, which is acidic and polar, at codon 629 of the MSH6 protein (p.Asp629Glu). This variant is not present in population databases (gnomAD no frequency). This variant has not been reported in the literature in individuals affected with MSH6-related conditions. ClinVar contains an entry for this variant (Variation ID: 662015). Invitae Evidence Modeling of protein sequence and biophysical properties (such as structural, functional, and spatial information, amino acid conservation, physicochemical variation, residue mobility, and thermodynamic stability) indicates that this missense variant is not expected to disrupt MSH6 protein function with a negative predictive value of 95%. In summary, the available evidence is currently insufficient to determine the role of this variant in disease. Therefore, it has been classified as a Variant of Uncertain Significance.

Color Diagnostics, LLC DBA Color Health
Classification: Uncertain significance for Hereditary cancer-predisposing syndrome. Last evaluated: 2020-12-22. Review status: criteria provided, single submitter. Criteria: ACMG Guidelines, 2015. Collection method: clinical testing. Allele origin: germline.
Comment: This missense variant replaces aspartic acid with glutamic acid at codon 629 of the MSH6 protein. Computational prediction suggests that this variant may not impact protein structure and function (internally defined REVEL score threshold <= 0.5, PMID: 27666373). To our knowledge, functional studies have not been reported for this variant. This variant has not been reported in individuals affected with hereditary cancer in the literature. This variant has not been identified in the general population by the Genome Aggregation Database (gnomAD). The available evidence is insufficient to determine the role of this variant in disease conclusively. Therefore, this variant is classified as a Variant of Uncertain Significance.